The following is an entry in ClinVar:

NM_005157.6(ABL1):c.683T>C (p.Val228Ala)

Gene: ABL1 (ABL proto-oncogene 1, non-receptor tyrosine kinase; plus strand). Cytogenetic location: 9q34.12.
Variant type: single nucleotide variant.
Coding change: c.683T>C on transcript NM_005157.6 (MANE Select); coding-DNA position 683, T replaced by C.
Protein change: p.Val228Ala; replaces valine 228 with alanine.
Molecular consequence: missense variant.
Genome position (GRCh38, 1-based): chr9:130,862,896, T>C. VCF-style: chr9-130862896-T-C. GRCh37 (hg19) VCF-style: chr9-133738283-T-C.
Other names: c.740T>C, p.Val247Ala (NM_007313.3); short protein forms V228A, V247A.
Identifiers: ClinVar variation 3068519 (VCV003068519.2), dbSNP rs2490695370, ClinGen allele CA375262801.
Genomic context (GRCh38, chr9:130,862,896, plus strand): 5'-GGCTCATCACCACGCTCCATTATCCAGCCCCAAAGCGCAACAAGCCCACTGTCTATGGTG[T>C]GTCCCCCAACTACGACAAGTGGGAGATGGAACGCACGGACATCACCATGAAGCACAAGCT-3'
Protein context (NP_005148.2, residues 218-238): PKRNKPTVYG[Val228Ala]SPNYDKWEME

ClinVar aggregate classification (germline): Uncertain significance (1 of 4 stars; one submission).

Conditions:
Congenital heart defects and skeletal malformations syndrome. Identifiers: Orphanet 643503, MedGen C4539857, MONDO:0060532, OMIM 617602.

Submission:

Center for Human Genetics and Genomic Medicine, Uniklinik Rwth Aachen
Classification: Uncertain significance for Congenital heart defects and skeletal malformations syndrome. Last evaluated: 2024-04-10. Review status: criteria provided, single submitter. Criteria: ACMG Guidelines, 2015. Collection method: clinical testing. Allele origin: unknown. Inheritance: Autosomal dominant inheritance. Affected: yes.
Comment: The variant has not yet been reported to online databases (dbSNP, ClinVar, gnomAD). Bioinformatic predicition tools predict a damaging effect (SIFT (v6.2.0), REVEL (v2021-05-03), MutationTaster (v2021)). ACMG criteria are PM2, PP3. The variant meets our criteria to be classified as VUS.